The following is an entry in ClinVar:

NM_000264.5(PTCH1):c.534C>G (p.His178Gln)

Gene: PTCH1 (patched 1; minus strand). Cytogenetic location: 9q22.32.
Variant type: single nucleotide variant.
Coding change: c.534C>G on transcript NM_000264.5 (MANE Select); coding-DNA position 534, C replaced by G.
Protein change: p.His178Gln; replaces histidine 178 with glutamine.
Molecular consequence: missense variant. On other transcripts: non-coding transcript variant (1).
Genome position (GRCh38, 1-based): chr9:95,485,735, G>C on the plus strand (C>G on the coding strand, the complement: PTCH1 is on the minus strand). VCF-style: chr9-95485735-G-C. GRCh37 (hg19) VCF-style: chr9-98248017-G-C.
Other names: c.336C>G, p.His112Gln (NM_001083602.3, NM_001354919.2); c.531C>G, p.His177Gln (NM_001083603.3); c.81C>G, p.His27Gln (NM_001083604.3, NM_001083605.3, NM_001083606.3 and 1 more transcripts); c.534C>G, p.His178Gln (NM_001354918.2); short protein forms H178Q, H112Q, H27Q, H177Q.
Identifiers: ClinVar variation 5027487 (VCV005027487.1).
Genomic context (GRCh38, chr9:95,485,735, plus strand): 5'-CGGGCCTTACCTGTTGTACATGTATACATGGACACGGCTGGCCTGGAGTGCCGAGTCCAG[G>C]TGTTGTAGGAGCGCTTCTGTGGTCAGGACATTAGCACCTTCTTCTTTAGGGGTCTGTATC-3'
Protein context (NP_000255.2, residues 168-188): NVLTTEALLQ[His178Gln]LDSALQASRV

ClinVar aggregate classification (germline): Uncertain significance (1 of 4 stars; one submission).

Conditions:
Hereditary cancer-predisposing syndrome. Also called: Neoplastic Syndromes, Hereditary; Tumor predisposition; Hereditary neoplastic syndrome; Hereditary Cancer Syndrome. Identifiers: Orphanet 140162, MedGen C0027672, MeSH D009386, MONDO:0015356.

Submission:

Ambry Genetics
Classification: Uncertain significance for Hereditary cancer-predisposing syndrome. Last evaluated: 2026-07-06. Review status: criteria provided, single submitter. Criteria: Ambry Variant Classification Scheme 2023. Collection method: clinical testing. Allele origin: germline.
Comment: The p.H112Q variant (also known as c.336C>G), located in coding exon 3 of the PTCH1 gene, results from a C to G substitution at nucleotide position 336. The histidine at codon 112 is replaced by glutamine, an amino acid with highly similar properties. This amino acid position is conserved. In addition, this alteration is predicted to be deleterious by in silico analysis. Based on the available evidence, the clinical significance of this variant remains unclear.